The following is an entry in ClinVar:

NM_004667.6(HERC2):c.3577+6G>A

Gene: HERC2 (HECT and RLD domain containing E3 ubiquitin protein ligase 2; minus strand). Cytogenetic location: 15q13.1.
Variant type: single nucleotide variant.
Coding change: c.3577+6G>A on transcript NM_004667.6 (MANE Select); 6 bases into the intron after coding-DNA position 3577, G replaced by A.
Molecular consequence: intron variant.
Genome position (GRCh38, 1-based): chr15:28,245,875, C>T on the plus strand (G>A on the coding strand, the complement: HERC2 is on the minus strand). VCF-style: chr15-28245875-C-T. GRCh37 (hg19) VCF-style: chr15-28491021-C-T.
Identifiers: ClinVar variation 2277155 (VCV002277155.2), dbSNP rs1363826715, ClinGen allele CA617087068.

ClinVar aggregate classification (germline): Uncertain significance (1 of 4 stars; one submission).

Conditions:
Inborn genetic diseases. Identifiers: MedGen C0950123, MeSH D030342.

Allele frequency attached by ClinVar (database versions not stated): gnomAD exomes below 0.00001; gnomAD 0.00003; TOPMed 0.00003.
gnomAD v4.1: 6 of 1,612,870 alleles (0.00037%); highest among the groups gnomAD compares: African/African-American, 0.0067%; no homozygotes.

Submission:

Ambry Genetics
Classification: Uncertain significance for Inborn genetic diseases. Last evaluated: 2022-03-07. Review status: criteria provided, single submitter. Criteria: Ambry Variant Classification Scheme 2023. Collection method: clinical testing. Allele origin: germline.
Comment: The c.3577+6G>A intronic alteration consists of a G to A substitution nucleotides after coding exon 22 in the HERC2 gene. Based on insufficient or conflicting evidence, the clinical significance of this alteration remains unclear.